The following is an entry in ClinVar:

NM_001447.3(FAT2):c.3533G>C (p.Ser1178Thr)

Gene: FAT2 (FAT atypical cadherin 2; minus strand). Cytogenetic location: 5q33.1.
Variant type: single nucleotide variant.
Coding change: c.3533G>C on transcript NM_001447.3 (MANE Select); coding-DNA position 3533, G replaced by C.
Protein change: p.Ser1178Thr; replaces serine 1178 with threonine.
Molecular consequence: missense variant.
Genome position (GRCh38, 1-based): chr5:151,563,366, C>G on the plus strand (G>C on the coding strand, the complement: FAT2 is on the minus strand). VCF-style: chr5-151563366-C-G. GRCh37 (hg19) VCF-style: chr5-150942927-C-G.
Other names: short protein forms S1178T.
Identifiers: ClinVar variation 2260533 (VCV002260533.5), dbSNP rs542186927, ClinGen allele CA3521820.

ClinVar aggregate classification (germline): Uncertain significance. Review status: criteria provided, multiple submitters, no conflicts (2 of 4 stars). 2 submissions from 2 submitters: Uncertain significance (2). Last evaluated 2022-12-07.

Allele frequency attached by ClinVar (database versions not stated): 1000 Genomes Project 0.00020; 1000 Genomes Project 30x 0.00031.

Submissions (2):

Labcorp Genetics (formerly Invitae), Labcorp
Classification: Uncertain significance. Last evaluated: 2022-12-07. Review status: criteria provided, single submitter. Criteria: Invitae Variant Classification Sherloc (09022015). Collection method: clinical testing. Allele origin: germline.
Comment: This sequence change replaces serine, which is neutral and polar, with threonine, which is neutral and polar, at codon 1178 of the FAT2 protein (p.Ser1178Thr). In summary, the available evidence is currently insufficient to determine the role of this variant in disease. Therefore, it has been classified as a Variant of Uncertain Significance. Advanced modeling of protein sequence and biophysical properties (such as structural, functional, and spatial information, amino acid conservation, physicochemical variation, residue mobility, and thermodynamic stability) performed at Invitae indicates that this missense variant is not expected to disrupt FAT2 protein function. This variant has not been reported in the literature in individuals affected with FAT2-related conditions. This variant is present in population databases (rs542186927, gnomAD 0.01%).

Ambry Genetics
Classification: Uncertain significance. Last evaluated: 2021-11-12. Review status: criteria provided, single submitter. Criteria: Ambry Variant Classification Scheme 2023. Collection method: clinical testing. Allele origin: germline.